The following is an entry in ClinVar:

ClinVar aggregate classification (germline): Uncertain significance. Review status: criteria provided, multiple submitters, no conflicts (2 of 4 stars). 2 submissions from 2 submitters: Uncertain significance (2). Last evaluated 2025-12-22.

Allele frequency attached by ClinVar (database versions not stated): ExAC 0.00007; TOPMed 0.00017; gnomAD 0.00018; ESP Exome Variant Server 0.00023.
gnomAD v4.1: 357 of 1,613,596 alleles (0.022%); highest among the groups gnomAD compares: Admixed American, 0.03%; no homozygotes.

Submissions (2):

Ambry Genetics
Classification: Uncertain significance. Last evaluated: 2025-12-22. Review status: criteria provided, single submitter. Criteria: Ambry Variant Classification Scheme 2023. Collection method: clinical testing. Allele origin: germline.

Labcorp Genetics (formerly Invitae), Labcorp
Classification: Uncertain significance. Last evaluated: 2025-02-26. Review status: criteria provided, single submitter. Criteria: Invitae Variant Classification Sherloc (09022015). Collection method: clinical testing. Allele origin: germline.
Comment: This sequence change replaces arginine, which is basic and polar, with histidine, which is basic and polar, at codon 1121 of the SLIT2 protein (p.Arg1121His). This variant is present in population databases (rs140078059, gnomAD 0.02%). This variant has not been reported in the literature in individuals affected with SLIT2-related conditions. ClinVar contains an entry for this variant (Variation ID: 2234661). An algorithm developed to predict the effect of missense changes on protein structure and function (PolyPhen-2) suggests that this variant is likely to be disruptive. In summary, the available evidence is currently insufficient to determine the role of this variant in disease. Therefore, it has been classified as a Variant of Uncertain Significance.

NM_004787.4(SLIT2):c.3362G>A (p.Arg1121His)

Gene: SLIT2 (slit guidance ligand 2; plus strand). Cytogenetic location: 4p15.31.
Variant type: single nucleotide variant.
Coding change: c.3362G>A on transcript NM_004787.4 (MANE Select); coding-DNA position 3362, G replaced by A.
Protein change: p.Arg1121His; replaces arginine 1121 with histidine.
Molecular consequence: missense variant.
Genome position (GRCh38, 1-based): chr4:20,596,456, G>A. VCF-style: chr4-20596456-G-A. GRCh37 (hg19) VCF-style: chr4-20598079-G-A.
Other names: c.3350G>A, p.Arg1117His (NM_001289135.3); c.3338G>A, p.Arg1113His (NM_001289136.3); short protein forms R1113H, R1117H, R1121H.
Identifiers: ClinVar variation 2234661 (VCV002234661.4), dbSNP rs140078059, ClinGen allele CA2872177.